The following is an entry in ClinVar:

NM_000181.4(GUSB):c.1219_1220insC (p.Cys407fs)

Gene: GUSB (glucuronidase beta; minus strand). Cytogenetic location: 7q11.21.
Variant type: Insertion.
Coding change: c.1219_1220insC on transcript NM_000181.4 (MANE Select); coding-DNA positions 1219 to 1220, C inserted.
Protein change: p.Cys407fs; shifts the reading frame from cysteine 407.
Molecular consequence: frameshift variant. On other transcripts: non-coding transcript variant (1).
Genome position: GRCh38 VCF-style: chr7-65974550-C-CG. GRCh37 (hg19) VCF-style: chr7-65439537-C-CG.
Other names: c.781_782insC, p.Cys261fs (NM_001284290.2); c.649_650insC, p.Cys217fs (NM_001293104.2); c.562_563insC, p.Cys188fs (NM_001293105.2); short protein forms C261fs, C188fs, C217fs, C407fs.
Identifiers: ClinVar variation 4707890 (VCV004707890.1).

ClinVar aggregate classification (germline): Pathogenic (1 of 4 stars; one submission).

Conditions:
Mucopolysaccharidosis type 7 (MPS7). Also called: SLY SYNDROME; BETA-GLUCURONIDASE DEFICIENCY; GUSB DEFICIENCY; MPS VII. Identifiers: Orphanet 584, MedGen C0085132, MONDO:0009662, OMIM 253220.

Submission:

Labcorp Genetics (formerly Invitae), Labcorp
Classification: Pathogenic for Mucopolysaccharidosis type 7. Last evaluated: 2025-12-29. Review status: criteria provided, single submitter. Criteria: Invitae Variant Classification Sherloc (09022015). Collection method: clinical testing. Allele origin: germline.
Comment: This sequence change creates a premature translational stop signal (p.Cys407Serfs*30) in the GUSB gene. It is expected to result in an absent or disrupted protein product. Loss-of-function variants in GUSB are known to be pathogenic (PMID: 19224584). This variant is present in population databases (rs761247245, gnomAD 0.0009%). This variant has not been reported in the literature in individuals affected with GUSB-related conditions. For these reasons, this variant has been classified as Pathogenic.

Literature cited by the submitters: PubMed 19224584.